The following is an entry in ClinVar:

ClinVar aggregate classification (germline): Uncertain significance (1 of 4 stars; one submission).

Submission:

Laboratory for Molecular Medicine, Mass General Brigham Personalized Medicine
Classification: Uncertain significance. Last evaluated: 2012-12-28. Review status: criteria provided, single submitter. Criteria: LMM Criteria. Collection method: clinical testing. Allele origin: germline. Observed: 1 variant allele.
Comment: The Ser146Trp variant in NKX2-5 has not been reported nor previously identified by our laboratory. Its frequency in the general population is unknown (the posit ion was insufficiently covered in a large European and African American cohorts screened by the NHLBI Exome Sequencing Project. Computational analyses (biochemical amino acid properties, conservation, Ali gnGVGD, PolyPhen2, and SIFT) do not provide strong support for or against an imp act to the protein. Additional information is needed to fully assess the clinica l significance of this variant.

NM_004387.4(NKX2-5):c.437C>G (p.Ser146Trp)

Gene: NKX2-5 (NK2 homeobox 5; minus strand). Cytogenetic location: 5q35.1.
Variant type: single nucleotide variant.
Coding change: c.437C>G on transcript NM_004387.4 (MANE Select); coding-DNA position 437, C replaced by G.
Protein change: p.Ser146Trp; replaces serine 146 with tryptophan.
Molecular consequence: missense variant. On other transcripts: 3 prime UTR variant (2).
Genome position (GRCh38, 1-based): chr5:173,233,107, G>C on the plus strand (C>G on the coding strand, the complement: NKX2-5 is on the minus strand). VCF-style: chr5-173233107-G-C. GRCh37 (hg19) VCF-style: chr5-172660110-G-C.
Other names: c.*390C>G (NM_001166175.2); c.*236C>G (NM_001166176.2); short protein forms S146W.
Identifiers: ClinVar variation 44836 (VCV000044836.5), dbSNP rs397516909, ClinGen allele CA135152.